The following is an entry in ClinVar:

ClinVar aggregate classification (germline): Uncertain significance (1 of 4 stars; one submission).

Submission:

CeGaT Center for Human Genetics Tuebingen
Classification: Uncertain significance. Last evaluated: 2023-10-01. Review status: criteria provided, single submitter. Criteria: CeGaT Center For Human Genetics Tuebingen Variant Classification Criteria Version 2. Collection method: clinical testing. Allele origin: germline. Affected: yes. Observed: 1 variant allele.
Comment: USH2A: PM2, BP4

NM_206933.4(USH2A):c.1384A>T (p.Asn462Tyr)

Gene: USH2A (usherin; minus strand). Cytogenetic location: 1q41.
Variant type: single nucleotide variant.
Coding change: c.1384A>T on transcript NM_206933.4 (MANE Select); coding-DNA position 1384, A replaced by T.
Protein change: p.Asn462Tyr; replaces asparagine 462 with tyrosine.
Molecular consequence: missense variant.
Genome position (GRCh38, 1-based): chr1:216,323,640, T>A on the plus strand (A>T on the coding strand, the complement: USH2A is on the minus strand). VCF-style: chr1-216323640-T-A. GRCh37 (hg19) VCF-style: chr1-216496982-T-A.
Other names: c.1384A>T, p.Asn462Tyr (NM_007123.6); short protein forms N462Y.
Identifiers: ClinVar variation 2639899 (VCV002639899.24), dbSNP rs2527434309, ClinGen allele CA344910249.
Genomic context (GRCh38, chr1:216,323,640, plus strand): 5'-CTTTTACGAACTCTTGAAGAGATGGGGTATTATAGAAGTTATTGTATCCAGGACGATAAT[T>A]TGGTCCAGGTGTCAGGATGCTAAATGTGACATTGCCACGGGAATATGGAGTAAAACTGTT-3'
Protein context (NP_996816.3, residues 452-472): VTFSILTPGP[Asn462Tyr]YRPGYNNFYN